The following is an entry in ClinVar:

ClinVar aggregate classification (germline): Uncertain significance. Review status: criteria provided, multiple submitters, no conflicts (2 of 4 stars). 2 submissions from 2 submitters: Uncertain significance (2). Last evaluated 2023-07-06.

Conditions:
Charcot-Marie-Tooth disease type 4A. Also called: Charcot-Marie-Tooth disease, demyelinating, autosomal recessive, type 4a. Identifiers: Orphanet 99948, MedGen C1859198, MONDO:0008961, OMIM 214400.
Charcot-Marie-Tooth disease axonal type 2K (CMT2K). Also called: Charcot-Marie-Tooth disease type 2K; CHARCOT-MARIE-TOOTH DISEASE, AXONAL, AUTOSOMAL RECESSIVE, TYPE 2K; CHARCOT-MARIE-TOOTH NEUROPATHY, AXONAL, TYPE 2K. Identifiers: Orphanet 101097, Orphanet 99944, MedGen C1842983, MONDO:0011916, OMIM 607831.

Allele frequency attached by ClinVar (database versions not stated): gnomAD exomes below 0.00001.
gnomAD v4.1: 1 of 1,614,152 alleles (0.000062%); highest among the groups gnomAD compares: Non-Finnish European, 0.000085%; no homozygotes.

Submissions (2):

Labcorp Genetics (formerly Invitae), Labcorp
Classification: Uncertain significance for Charcot-Marie-Tooth disease type 4A. Last evaluated: 2023-07-06. Review status: criteria provided, single submitter. Criteria: Invitae Variant Classification Sherloc (09022015). Collection method: clinical testing. Allele origin: germline.
Comment: In summary, the available evidence is currently insufficient to determine the role of this variant in disease. Therefore, it has been classified as a Variant of Uncertain Significance. This sequence change replaces serine, which is neutral and polar, with asparagine, which is neutral and polar, at codon 61 of the GDAP1 protein (p.Ser61Asn). This variant is not present in population databases (gnomAD no frequency). This variant has not been reported in the literature in individuals affected with GDAP1-related conditions. ClinVar contains an entry for this variant (Variation ID: 982611). An algorithm developed to predict the effect of missense changes on protein structure and function (PolyPhen-2) suggests that this variant is likely to be disruptive.

Institute of Human Genetics, University of Leipzig Medical Center
Classification: Uncertain significance for Charcot-Marie-Tooth disease axonal type 2K. Last evaluated: 2019-01-01. Review status: criteria provided, single submitter. Criteria: ACMG Guidelines, 2015. Collection method: clinical testing. Allele origin: unknown. Affected: yes.

NM_018972.4(GDAP1):c.182G>A (p.Ser61Asn)

Gene: GDAP1 (ganglioside induced differentiation associated protein 1; plus strand). Cytogenetic location: 8q21.11.
Variant type: single nucleotide variant.
Coding change: c.182G>A on transcript NM_018972.4 (MANE Select); coding-DNA position 182, G replaced by A.
Protein change: p.Ser61Asn; replaces serine 61 with asparagine.
Molecular consequence: missense variant. On other transcripts: 5 prime UTR variant (1), intron variant (2).
Genome position (GRCh38, 1-based): chr8:74,351,338, G>A. VCF-style: chr8-74351338-G-A. GRCh37 (hg19) VCF-style: chr8-75263573-G-A.
Other names: c.-23G>A (NM_001040875.4); c.182G>A, p.Ser61Asn (NM_001362930.2, NM_001362931.2); c.-18+17G>A (NM_001362929.2); c.-18+760G>A (NM_001362932.2); short protein forms S61N.
Identifiers: ClinVar variation 982611 (VCV000982611.4), dbSNP rs1808861763, ClinGen allele CA371499374.